The following is an entry in ClinVar:

NM_000141.5(FGFR2):c.2261T>G (p.Val754Gly)

Gene: FGFR2 (fibroblast growth factor receptor 2; minus strand). Cytogenetic location: 10q26.13.
Variant type: single nucleotide variant.
Coding change: c.2261T>G on transcript NM_000141.5 (MANE Select); coding-DNA position 2261, T replaced by G.
Protein change: p.Val754Gly; replaces valine 754 with glycine.
Molecular consequence: missense variant. On other transcripts: non-coding transcript variant (1).
Genome position (GRCh38, 1-based): chr10:121,483,738, A>C on the plus strand (T>G on the coding strand, the complement: FGFR2 is on the minus strand). VCF-style: chr10-121483738-A-C. GRCh37 (hg19) VCF-style: chr10-123243252-A-C.
Other names: c.1577T>G, p.Val526Gly (NM_001320654.2); c.2255T>G, p.Val752Gly (NM_001320658.2); c.2258T>G, p.Val753Gly (NM_001441087.1); c.1991T>G, p.Val664Gly (NM_001441088.1); c.1988T>G, p.Val663Gly (NM_001441089.1); c.1916T>G, p.Val639Gly (NM_001441090.1, NM_001144916.2); c.1910T>G, p.Val637Gly (NM_001441091.1, NM_001144918.2); c.2264T>G, p.Val755Gly (NM_022970.4, NM_001144913.1); and 4 more; short protein forms V638G, V642G, V754G, V639G, V753G, V637G, V663G, V664G.
Identifiers: ClinVar variation 5021682 (VCV005021682.1).
Genomic context (GRCh38, chr10:121,483,738, plus strand): 5'-TTCTAGAAGGAAGTTCTTACCTCATTGGTTGTGAGAGTGAGAATTCGATCCAAGTCTTCT[A>C]CCAACTGCTTGAACGTTGGTCTCTGGGAGGGCACTGCATGCCAACAGTCCCTCATCATCA-3'
Protein context (NP_000132.3, residues 744-764): PSQRPTFKQL[Val754Gly]EDLDRILTLT

ClinVar aggregate classification (germline): Uncertain significance (1 of 4 stars; one submission).

Conditions:
Inborn genetic diseases. Identifiers: MedGen C0950123, MeSH D030342.

gnomAD v4.1: 1 of 1,614,084 alleles (0.000062%); highest among the groups gnomAD compares: Non-Finnish European, 0.000085%; no homozygotes.

Submission:

Ambry Genetics
Classification: Uncertain significance for Inborn genetic diseases. Last evaluated: 2026-09-01. Review status: criteria provided, single submitter. Criteria: Ambry Variant Classification Scheme 2023. Collection method: clinical testing. Allele origin: germline.
Comment: The c.2261T>G (p.V754G) alteration is located in exon 17 (coding exon 16) of the FGFR2 gene. This alteration results from a T to G substitution at nucleotide position 2261, causing the valine (V) at amino acid position 754 to be replaced by a glycine (G). Based on data from gnomAD, the G allele has an overall frequency of <0.001% (1/251224) total alleles studied. The highest observed frequency was 0.001% (1/113664) of European (non-Finnish) alleles. Based on insufficient or conflicting evidence, the clinical significance of this alteration remains unclear.